The following is an entry in ClinVar:

ClinVar aggregate classification (germline): Likely pathogenic (1 of 4 stars; one submission).

Conditions:
Autosomal recessive spastic paraplegia type 78. Identifiers: Orphanet 513436, MedGen C5567893, MONDO:0014975, OMIM 617225.
Kufor-Rakeb syndrome (KRS). Also called: PARKINSON DISEASE 9, AUTOSOMAL RECESSIVE, JUVENILE-ONSET. Identifiers: Orphanet 306674, Orphanet 314632, MedGen C1847640, MONDO:0011706, OMIM 606693.

Submission:

First Genomix Gene Laboratory, Genetic Diagnostics Department
Classification: Likely pathogenic for Kufor-Rakeb syndrome; Autosomal recessive spastic paraplegia type 78. Last evaluated: 2025-07-31. Review status: criteria provided, single submitter. Criteria: ACMG Guidelines, 2015. Collection method: clinical testing. Allele origin: germline. Inheritance: Autosomal recessive inheritance. Affected: no. Observed: 1 variant allele.

NM_022089.4(ATP13A2):c.46del (p.Tyr16fs)

Gene: ATP13A2 (ATPase cation transporting 13A2; minus strand). Cytogenetic location: 1p36.13.
Variant type: Deletion.
Coding change: c.46del on transcript NM_022089.4 (MANE Select); coding-DNA position 46, one base deleted (T; older notation c.46delT).
Protein change: p.Tyr16fs; shifts the reading frame from tyrosine 16.
Molecular consequence: frameshift variant.
Genome position (GRCh38, 1-based): chr1:17,005,743, A deleted on the plus strand (T on the coding strand, the reverse complement: ATP13A2 is on the minus strand); the first of 2 consecutive A bases (chr1:17,005,743-17,005,744); deleting either gives the same sequence. VCF-style (leftmost placement, unchanged base first): chr1-17005742-TA-T. GRCh37 (hg19) VCF-style: chr1-17332237-TA-T.
Other names: c.46del, p.Tyr16fs (NM_001141973.3, NM_001141974.3); c.46delT (NM_022089.4); short protein forms Y16fs.
Identifiers: ClinVar variation 4850663 (VCV004850663.1).
Genomic context (GRCh38, chr1:17,005,742, plus strand): 5'-ACCACGGATGAAACTGAGGAGCTGAGGGGATCTATTGATGTCCCTATCGTCAGGGTCCCA[TA>T]ACCGGTGGGCGTGCTGCCCACGAGAGGGCTGCTGTCTGTGGACAGAAAAGAGAAAGGTCA-3'